The following is an entry in ClinVar:

NM_006389.5(HYOU1):c.1349C>T (p.Thr450Met)

Gene: HYOU1 (hypoxia up-regulated 1; minus strand). Cytogenetic location: 11q23.3.
Variant type: single nucleotide variant.
Coding change: c.1349C>T on transcript NM_006389.5 (MANE Select); coding-DNA position 1349, C replaced by T.
Protein change: p.Thr450Met; replaces threonine 450 with methionine.
Molecular consequence: missense variant.
Genome position (GRCh38, 1-based): chr11:119,051,615, G>A on the plus strand (C>T on the coding strand, the complement: HYOU1 is on the minus strand). VCF-style: chr11-119051615-G-A. GRCh37 (hg19) VCF-style: chr11-118922327-G-A.
Other names: c.1349C>T, p.Thr450Met (NM_001130991.3, NM_001411041.1); short protein forms T450M.
Identifiers: ClinVar variation 3527298 (VCV003527298.3).

ClinVar aggregate classification (germline): Uncertain significance. Review status: criteria provided, multiple submitters, no conflicts (2 of 4 stars). 2 submissions from 2 submitters: Uncertain significance (2). Last evaluated 2025-10-21.

gnomAD v4.1: 35 of 1,613,862 alleles (0.0022%); highest among the groups gnomAD compares: Admixed American, 0.0083%; no homozygotes.

Submissions (2):

Labcorp Genetics (formerly Invitae), Labcorp
Classification: Uncertain significance. Last evaluated: 2025-10-21. Review status: criteria provided, single submitter. Criteria: Invitae Variant Classification Sherloc (09022015). Collection method: clinical testing. Allele origin: germline.
Comment: This sequence change replaces threonine, which is neutral and polar, with methionine, which is neutral and non-polar, at codon 450 of the HYOU1 protein (p.Thr450Met). This variant is present in population databases (rs782080220, gnomAD 0.01%). This variant has not been reported in the literature in individuals affected with HYOU1-related conditions. ClinVar contains an entry for this variant (Variation ID: 3527298). An algorithm developed to predict the effect of missense changes on protein structure and function (PolyPhen-2) suggests that this variant is likely to be tolerated. In summary, the available evidence is currently insufficient to determine the role of this variant in disease. Therefore, it has been classified as a Variant of Uncertain Significance.

Ambry Genetics
Classification: Uncertain significance. Last evaluated: 2024-07-22. Review status: criteria provided, single submitter. Criteria: Ambry Variant Classification Scheme 2023. Collection method: clinical testing. Allele origin: germline.